The following is an entry in ClinVar:

NM_080680.3(COL11A2):c.851C>T (p.Thr284Ile)

Gene: COL11A2 (collagen type XI alpha 2 chain; minus strand). Cytogenetic location: 6p21.32.
Variant type: single nucleotide variant.
Coding change: c.851C>T on transcript NM_080680.3 (MANE Select); coding-DNA position 851, C replaced by T.
Protein change: p.Thr284Ile; replaces threonine 284 with isoleucine.
Molecular consequence: missense variant. On other transcripts: intron variant (2).
Genome position (GRCh38, 1-based): chr6:33,185,726, G>A on the plus strand (C>T on the coding strand, the complement: COL11A2 is on the minus strand). VCF-style: chr6-33185726-G-A. GRCh37 (hg19) VCF-style: chr6-33153503-G-A.
Other names: c.851C>T, p.Thr284Ile (NM_001424108.1); c.5C>T, p.Thr2Ile (NM_001424109.1, NM_001424110.1, NM_001424111.1); c.798+901C>T (NM_080679.3); c.799-672C>T (NM_080681.3); short protein forms T2I, T284I.
Identifiers: ClinVar variation 2980857 (VCV002980857.3), dbSNP rs2535477052, ClinGen allele CA363609590.
Genomic context (GRCh38, chr6:33,185,726, plus strand): 5'-GAAAGGGAAGAAATGAAGGGGTCCCTTGAGTTTACCTGATAATCAGGGGTTGTCCCCGTA[G>A]TCATCACATCATAATAGGGGGGCTCGTAGTCATAGTAGAGAGACTCAGTGGGCTGGGATT-3'
Protein context (NP_542411.2, residues 274-294): DYEPPYYDVM[Thr284Ile]TGTTPDYQDP

ClinVar aggregate classification (germline): Uncertain significance (1 of 4 stars; one submission).

Submission:

Labcorp Genetics (formerly Invitae), Labcorp
Classification: Uncertain significance. Last evaluated: 2024-01-18. Review status: criteria provided, single submitter. Criteria: Invitae Variant Classification Sherloc (09022015). Collection method: clinical testing. Allele origin: germline.
Comment: This sequence change replaces threonine, which is neutral and polar, with isoleucine, which is neutral and non-polar, at codon 284 of the COL11A2 protein (p.Thr284Ile). This variant is not present in population databases (gnomAD no frequency). This variant has not been reported in the literature in individuals affected with COL11A2-related conditions. Advanced modeling of protein sequence and biophysical properties (such as structural, functional, and spatial information, amino acid conservation, physicochemical variation, residue mobility, and thermodynamic stability) performed at Invitae indicates that this missense variant is not expected to disrupt COL11A2 protein function with a negative predictive value of 95%. In summary, the available evidence is currently insufficient to determine the role of this variant in disease. Therefore, it has been classified as a Variant of Uncertain Significance.